The following is an entry in ClinVar:

NM_001039660.2(IL18BP):c.432C>T (p.His144=)

Gene: IL18BP (interleukin 18 binding protein; plus strand). Cytogenetic location: 11q13.4.
Variant type: single nucleotide variant.
Coding change: c.432C>T on transcript NM_001039660.2 (MANE Select); coding-DNA position 432, C replaced by T.
Protein change: p.His144=; no amino-acid change (histidine 144 retained).
Molecular consequence: synonymous variant. On other transcripts: intron variant (2).
Genome position (GRCh38, 1-based): chr11:72,001,477, C>T. VCF-style: chr11-72001477-C-T. GRCh37 (hg19) VCF-style: chr11-71712523-C-T.
Other names: c.432C>T, p.His144= (NM_001039659.2, NM_001145057.1, NM_005699.3 and 1 more transcripts); c.379+53C>T (NM_173044.3); c.236-307C>T (NM_001145055.1).
Identifiers: ClinVar variation 2757865 (VCV002757865.3), dbSNP rs766633441, ClinGen allele CA6166242.

ClinVar aggregate classification (germline): Uncertain significance (1 of 4 stars; one submission).

Allele frequency attached by ClinVar (database versions not stated): ExAC 0.00001.
gnomAD v4.1: 2 of 1,614,138 alleles (0.00012%); highest among the groups gnomAD compares: African/African-American, 0.0013%; no homozygotes.

Submission:

Labcorp Genetics (formerly Invitae), Labcorp
Classification: Uncertain significance. Last evaluated: 2023-09-04. Review status: criteria provided, single submitter. Criteria: Invitae Variant Classification Sherloc (09022015). Collection method: clinical testing. Allele origin: germline.
Comment: This variant is present in population databases (rs766633441, gnomAD 0.007%). In summary, the available evidence is currently insufficient to determine the role of this variant in disease. Therefore, it has been classified as a Variant of Uncertain Significance. This variant has not been reported in the literature in individuals affected with IL18BP-related conditions. This sequence change affects codon 144 of the IL18BP mRNA. It is a 'silent' change, meaning that it does not change the encoded amino acid sequence of the IL18BP protein.